The following is an entry in ClinVar:

ClinVar aggregate classification (germline): Uncertain significance (0 of 4 stars; one submission).

Conditions:
Polycystic kidney disease. Also called: Polycystic kidney dysplasia; Kidney, Polycystic. Identifiers: MedGen C0022680, MeSH D007690, MONDO:0020642, HP:0000113.

Allele frequency attached by ClinVar (database versions not stated): gnomAD exomes below 0.00001 and 0.00001.
gnomAD v4.1: 3 of 1,613,944 alleles (0.00019%); highest among the groups gnomAD compares: East Asian, 0.0045%; no homozygotes.

Submission:

Department of Pathology and Laboratory Medicine, Sinai Health System
Classification: Uncertain significance for Polycystic Kidney disease. Review status: no assertion criteria provided. Collection method: clinical testing. Allele origin: unknown. Affected: yes. Study: The Canadian Open Genetics Repository (COGR).
Comment: The PKD2 p.Gln300His variant was not identified in the literature nor was it identified in ClinVar, LOVD3.0, ADPKD-MD or ADPKD-LOVD2.0. The variant was identified in dbSNP (rs1394365736) as â€šÃ„ÃºNAâ€šÃ„Ã¹. The variant was identified in control databases in 2 of 251,192 chromosomes at a frequency of 0.000008 (Genome Aggregation Database Feb 27, 2017). The variant was observed in the East Asian population in 2 of 18,394 chromosomes (freq: 0.0001) but not in the African, Latino, Ashkenazi Jewish, Finnish, European, Other or South Asian populations. The p.Gln300 residue is conserved in in mammals but not in more distantly related organisms however computational analyses (PolyPhen-2, SIFT, AlignGVGD, BLOSUM, MutationTaster) do not suggest a high likelihood of impact to the protein; this information is not predictive enough to rule out pathogenicity. The variant occurs outside of the splicing consensus sequence and in silico or computational prediction software programs (SpliceSiteFinder, MaxEntScan, NNSPLICE, GeneSplicer) do not predict a difference in splicing. In summary, based on the above information, the clinical significance of this variant cannot be determined with certainty at this time. This variant is classified as a variant of uncertain significance.

NM_000297.4(PKD2):c.900G>C (p.Gln300His)

Gene: PKD2 (polycystin 2, transient receptor potential cation channel; plus strand). Cytogenetic location: 4q22.1.
Variant type: single nucleotide variant.
Coding change: c.900G>C on transcript NM_000297.4 (MANE Select); coding-DNA position 900, G replaced by C.
Protein change: p.Gln300His; replaces glutamine 300 with histidine.
Molecular consequence: missense variant. On other transcripts: non-coding transcript variant (1).
Genome position (GRCh38, 1-based): chr4:88,038,307, G>C. VCF-style: chr4-88038307-G-C. GRCh37 (hg19) VCF-style: chr4-88959459-G-C.
Other names: short protein forms Q300H.
Identifiers: ClinVar variation 997233 (VCV000997233.1), dbSNP rs1394365736, ClinGen allele CA357632565.